The following is an entry in ClinVar:

NM_001378414.1(HDAC4):c.1748C>T (p.Pro583Leu)

Gene: HDAC4 (histone deacetylase 4; minus strand). Cytogenetic location: 2q37.3.
Variant type: single nucleotide variant.
Coding change: c.1748C>T on transcript NM_001378414.1 (MANE Select); coding-DNA position 1748, C replaced by T.
Protein change: p.Pro583Leu; replaces proline 583 with leucine.
Molecular consequence: missense variant.
Genome position (GRCh38, 1-based): chr2:239,115,096, G>A on the plus strand (C>T on the coding strand, the complement: HDAC4 is on the minus strand). VCF-style: chr2-239115096-G-A. GRCh37 (hg19) VCF-style: chr2-240036792-G-A.
Other names: c.1748C>T, p.Pro583Leu (NM_001378415.1); c.1733C>T, p.Pro578Leu (NM_001378416.1, NM_001378417.1, NM_006037.4); short protein forms P583L, P578L.
Identifiers: ClinVar variation 1424429 (VCV001424429.9), dbSNP rs201187772, ClinGen allele CA2199706.

ClinVar aggregate classification (germline): Uncertain significance. Review status: criteria provided, multiple submitters, no conflicts (2 of 4 stars). 2 submissions from 2 submitters: Uncertain significance (2). Last evaluated 2024-05-28.

Conditions:
Chromosome 2q37 deletion syndrome (BDMR). Also called: 2q37 microdeletion syndrome; ALBRIGHT HEREDITARY OSTEODYSTROPHY-LIKE SYNDROME; Chromosome 2, monosomy 2q37; Monosomy 2q37; Deletion 2q37. Identifiers: Orphanet 1001, MedGen C2931817, MONDO:0010886, OMIM 600430.
Neurodevelopmental disorder with central hypotonia and dysmorphic facies (NEDCHF). Identifiers: MedGen C5676944, MONDO:0859232, OMIM 619797.

Allele frequency attached by ClinVar (database versions not stated): ESP Exome Variant Server 0.00015; ExAC 0.00018; gnomAD exomes 0.00019; TOPMed 0.00026; gnomAD 0.00029 and 0.00030.
gnomAD v4.1: 482 of 1,611,434 alleles (0.03%); highest among the groups gnomAD compares: African/African-American, 0.041%; no homozygotes.

Submissions (2):

Labcorp Genetics (formerly Invitae), Labcorp
Classification: Uncertain significance. Last evaluated: 2024-05-28. Review status: criteria provided, single submitter. Criteria: Invitae Variant Classification Sherloc (09022015). Collection method: clinical testing. Allele origin: germline.
Comment: This sequence change replaces proline, which is neutral and non-polar, with leucine, which is neutral and non-polar, at codon 578 of the HDAC4 protein (p.Pro578Leu). This variant is present in population databases (rs201187772, gnomAD 0.04%), and has an allele count higher than expected for a pathogenic variant. This variant has not been reported in the literature in individuals affected with HDAC4-related conditions. ClinVar contains an entry for this variant (Variation ID: 1424429). Advanced modeling of protein sequence and biophysical properties (such as structural, functional, and spatial information, amino acid conservation, physicochemical variation, residue mobility, and thermodynamic stability) performed at Invitae indicates that this missense variant is not expected to disrupt HDAC4 protein function with a negative predictive value of 80%. In summary, the available evidence is currently insufficient to determine the role of this variant in disease. Therefore, it has been classified as a Variant of Uncertain Significance.

Fulgent Genetics
Classification: Uncertain significance for Chromosome 2q37 deletion syndrome; Neurodevelopmental disorder with central hypotonia and dysmorphic facies. Last evaluated: 2021-07-21. Review status: criteria provided, single submitter. Criteria: ACMG Guidelines, 2015. Collection method: clinical testing. Allele origin: unknown.